The following is an entry in ClinVar:

NM_022089.4(ATP13A2):c.2910CAC[2] (p.Thr973del)

Gene: ATP13A2 (ATPase cation transporting 13A2; minus strand). Cytogenetic location: 1p36.13.
Variant type: Microsatellite.
Coding change: c.2910CAC[2] on transcript NM_022089.4 (MANE Select); two copies in a row of the 3-base unit CAC starting at c.2910; the reference has three copies in a row; one copy, 3 bases deleted.
Protein change: p.Thr973del; deletes threonine 973.
Molecular consequence: inframe deletion.
Genome position (GRCh38, 1-based): chr1:16,987,211-16,987,213, GTG deleted on the plus strand (CAC on the coding strand, the reverse complement: ATP13A2 is on the minus strand); deleting any 3 consecutive bases within chr1:16,987,211-16,987,219 gives the same sequence; the position shown is the placement nearest the transcript's 3' end. VCF-style (leftmost placement, unchanged base first): chr1-16987210-TGTG-T. GRCh37 (hg19) VCF-style: chr1-17313705-TGTG-T.
Other names: c.2895CAC[2], p.Thr968del (NM_001141973.3); c.2778CAC[2], p.Thr929del (NM_001141974.3); short protein forms T968del, T973del, T929del.
Identifiers: ClinVar variation 1996874 (VCV001996874.4), dbSNP rs775654672, ClinGen allele CA636666.

ClinVar aggregate classification (germline): Uncertain significance (1 of 4 stars; one submission).

Conditions:
Autosomal recessive spastic paraplegia type 78. Identifiers: Orphanet 513436, MedGen C5567893, MONDO:0014975, OMIM 617225.
Kufor-Rakeb syndrome (KRS). Also called: PARKINSON DISEASE 9, AUTOSOMAL RECESSIVE, JUVENILE-ONSET. Identifiers: Orphanet 306674, Orphanet 314632, MedGen C1847640, MONDO:0011706, OMIM 606693.

Submission:

Labcorp Genetics (formerly Invitae), Labcorp
Classification: Uncertain significance for Kufor-Rakeb syndrome; Autosomal recessive spastic paraplegia type 78. Last evaluated: 2022-03-20. Review status: criteria provided, single submitter. Criteria: Invitae Variant Classification Sherloc (09022015). Collection method: clinical testing. Allele origin: germline.
Comment: Experimental studies and prediction algorithms are not available or were not evaluated, and the functional significance of this variant is currently unknown. This variant, c.2916_2918del, results in the deletion of 1 amino acid(s) of the ATP13A2 protein (p.Thr973del), but otherwise preserves the integrity of the reading frame. This variant is present in population databases (rs775654672, gnomAD 0.0009%). This variant has not been reported in the literature in individuals affected with ATP13A2-related conditions. In summary, the available evidence is currently insufficient to determine the role of this variant in disease. Therefore, it has been classified as a Variant of Uncertain Significance.